The following is an entry in ClinVar:

NM_015459.5(ATL3):c.14A>G (p.Gln5Arg)

Gene: ATL3 (atlastin GTPase 3; minus strand). Cytogenetic location: 11q13.1.
Variant type: single nucleotide variant.
Coding change: c.14A>G on transcript NM_015459.5 (MANE Select); coding-DNA position 14, A replaced by G.
Protein change: p.Gln5Arg; replaces glutamine 5 with arginine.
Molecular consequence: missense variant. On other transcripts: intron variant (1).
Genome position (GRCh38, 1-based): chr11:63,671,322, T>C on the plus strand (A>G on the coding strand, the complement: ATL3 is on the minus strand). VCF-style: chr11-63671322-T-C. GRCh37 (hg19) VCF-style: chr11-63438794-T-C.
Other names: c.-9+314A>G (NM_001290048.2); short protein forms Q5R.
Identifiers: ClinVar variation 2641900 (VCV002641900.28), dbSNP rs749897277, ClinGen allele CA6063911.
Genomic context (GRCh38, chr11:63,671,322, plus strand): 5'-GGCGATCCAGGGAAAATCGGCGCCTCACCTGCTCCTCTTGAGGCAGCTGCTGCCACTCGC[T>C]GAGGGGACAACATGGAGCCTCCGCCTTCAAAGCAGAAGCAGCAGGGGTGCAGAGGAGAGG-3'
Protein context (NP_056274.3, residues 1-15): MLSP[Gln5Arg]RVAAAASRGA

ClinVar aggregate classification (germline): Conflicting classifications of pathogenicity. Review status: criteria provided, conflicting classifications (1 of 4 stars). 3 submissions from 3 submitters: Uncertain significance (2); Benign (1). Last evaluated 2024-07-10.

Conditions:
Neuropathy, hereditary sensory, type 1F. Also called: HSN IF; Hereditary sensory neuropathy type IF. Identifiers: Orphanet 36386, MedGen C3810194, MONDO:0014286, OMIM 615632.

Allele frequency attached by ClinVar (database versions not stated): TOPMed below 0.00001; gnomAD 0.00002; gnomAD exomes 0.00002; ExAC 0.00013.
gnomAD v4.1: 37 of 1,587,830 alleles (0.0023%); highest among the groups gnomAD compares: Middle Eastern, 0.068%; no homozygotes.

Submissions (3):

Dr.Nikuei Genetic Center
Classification: Benign for Neuropathy, hereditary sensory, type 1F. Last evaluated: 2024-07-10. Review status: criteria provided, single submitter. Criteria: ACMG Guidelines, 2015. Collection method: clinical testing. Allele origin: germline. Affected: no.

Labcorp Genetics (formerly Invitae), Labcorp
Classification: Uncertain significance for Neuropathy, hereditary sensory, type 1F. Last evaluated: 2022-12-17. Review status: criteria provided, single submitter. Criteria: Invitae Variant Classification Sherloc (09022015). Collection method: clinical testing. Allele origin: germline.
Comment: This sequence change replaces glutamine, which is neutral and polar, with arginine, which is basic and polar, at codon 5 of the ATL3 protein (p.Gln5Arg). This variant is present in population databases (rs749897277, gnomAD 0.03%). This variant has not been reported in the literature in individuals affected with ATL3-related conditions. Algorithms developed to predict the effect of missense changes on protein structure and function (SIFT, PolyPhen-2, Align-GVGD) all suggest that this variant is likely to be tolerated. In summary, the available evidence is currently insufficient to determine the role of this variant in disease. Therefore, it has been classified as a Variant of Uncertain Significance.

CeGaT Center for Human Genetics Tuebingen
Classification: Uncertain significance. Last evaluated: 2022-03-01. Review status: criteria provided, single submitter. Criteria: CeGaT Center For Human Genetics Tuebingen Variant Classification Criteria Version 2. Collection method: clinical testing. Allele origin: germline. Affected: yes. Observed: 1 variant allele.